The following is an entry in ClinVar:

NM_003001.5(SDHC):c.140G>A (p.Gly47Asp)

Gene: SDHC (succinate dehydrogenase complex subunit C; plus strand). Cytogenetic location: 1q23.3.
Variant type: single nucleotide variant.
Coding change: c.140G>A on transcript NM_003001.5 (MANE Select); coding-DNA position 140, G replaced by A.
Protein change: p.Gly47Asp; replaces glycine 47 with aspartic acid.
Molecular consequence: missense variant. On other transcripts: non-coding transcript variant (1), intron variant (4).
Genome position (GRCh38, 1-based): chr1:161,328,458, G>A. VCF-style: chr1-161328458-G-A. GRCh37 (hg19) VCF-style: chr1-161298248-G-A.
Other names: c.140G>A, p.Gly47Asp (NM_001035511.3, NM_001407115.1); c.83G>A, p.Gly28Asp (NM_001407116.1, NM_001407117.1, NM_001407121.1); c.29G>A, p.Gly10Asp (NM_001407119.1, NM_001407120.1); c.77+4788G>A (NM_001035512.3, NM_001278172.3, NM_001407118.1); c.21-12136G>A (NM_001035513.3); short protein forms G47D, G28D, G10D.
Identifiers: ClinVar variation 2625081 (VCV002625081.2), dbSNP rs1571851599, ClinGen allele CA343361185.

ClinVar aggregate classification (germline): Uncertain significance (1 of 4 stars; one submission).

Conditions:
Hereditary cancer-predisposing syndrome. Also called: Tumor predisposition; Hereditary Cancer Syndrome; Hereditary neoplastic syndrome; Neoplastic Syndromes, Hereditary. Identifiers: Orphanet 140162, MedGen C0027672, MeSH D009386, MONDO:0015356.

Submission:

Ambry Genetics
Classification: Uncertain significance for Hereditary cancer-predisposing syndrome. Last evaluated: 2023-07-01. Review status: criteria provided, single submitter. Criteria: Ambry Variant Classification Scheme 2023. Collection method: clinical testing. Allele origin: germline.
Comment: The p.G47D variant (also known as c.140G>A), located in coding exon 3 of the SDHC gene, results from a G to A substitution at nucleotide position 140. The glycine at codon 47 is replaced by aspartic acid, an amino acid with similar properties. This amino acid position is conserved. In addition, this alteration is predicted to be tolerated by in silico analysis. Since supporting evidence is limited at this time, the clinical significance of this alteration remains unclear.